The following is an entry in ClinVar:

ClinVar aggregate classification (germline): Uncertain significance. Review status: criteria provided, multiple submitters, no conflicts (2 of 4 stars). 3 submissions from 3 submitters: Uncertain significance (3). Last evaluated 2025-11-19.

Conditions:
Cystinuria (CSNU). Also called: Cystinuria, non-type I; CYSTINURIA, TYPE I; CYSTINURIA, TYPE II; CYSTINURIA, TYPE III. Identifiers: Orphanet 214, MedGen C0010691, MONDO:0009067, OMIM 220100, HP:0003131.

Allele frequency attached by ClinVar (database versions not stated): gnomAD 0.00001; gnomAD exomes 0.00001; TOPMed 0.00003; ESP Exome Variant Server 0.00008; ExAC 0.00003.
gnomAD v4.1: 20 of 1,613,852 alleles (0.0012%); highest among the groups gnomAD compares: East Asian, 0.011%; no homozygotes.

Submissions (3):

Labcorp Genetics (formerly Invitae), Labcorp
Classification: Uncertain significance. Last evaluated: 2025-11-19. Review status: criteria provided, single submitter. Criteria: Invitae Variant Classification Sherloc (09022015). Collection method: clinical testing. Allele origin: germline.
Comment: This sequence change replaces alanine, which is neutral and non-polar, with valine, which is neutral and non-polar, at codon 84 of the SLC7A9 protein (p.Ala84Val). This variant is present in population databases (rs148334096, gnomAD 0.006%). This variant has not been reported in the literature in individuals affected with SLC7A9-related conditions. ClinVar contains an entry for this variant (Variation ID: 2436074). Invitae Evidence Modeling of protein sequence and biophysical properties (such as structural, functional, and spatial information, amino acid conservation, physicochemical variation, residue mobility, and thermodynamic stability) indicates that this missense variant is not expected to disrupt SLC7A9 protein function with a negative predictive value of 80%. In summary, the available evidence is currently insufficient to determine the role of this variant in disease. Therefore, it has been classified as a Variant of Uncertain Significance.

Fulgent Genetics
Classification: Uncertain significance for Cystinuria. Last evaluated: 2024-03-25. Review status: criteria provided, single submitter. Criteria: ACMG Guidelines, 2015. Collection method: clinical testing. Allele origin: germline.

Revvity Omics, Revvity
Classification: Uncertain significance for Cystinuria. Last evaluated: 2021-12-15. Review status: criteria provided, single submitter. Criteria: ACMG Guidelines, 2015. Collection method: clinical testing. Allele origin: germline.

NM_014270.5(SLC7A9):c.251C>T (p.Ala84Val)

Gene: SLC7A9 (solute carrier family 7 member 9; minus strand). Cytogenetic location: 19q13.11.
Variant type: single nucleotide variant.
Coding change: c.251C>T on transcript NM_014270.5 (MANE Select); coding-DNA position 251, C replaced by T.
Protein change: p.Ala84Val; replaces alanine 84 with valine.
Molecular consequence: missense variant.
Genome position (GRCh38, 1-based): chr19:32,864,323, G>A on the plus strand (C>T on the coding strand, the complement: SLC7A9 is on the minus strand). VCF-style: chr19-32864323-G-A. GRCh37 (hg19) VCF-style: chr19-33355229-G-A.
Other names: c.251C>T, p.Ala84Val (NM_001126335.2, NM_001243036.2); short protein forms A84V.
Identifiers: ClinVar variation 2436074 (VCV002436074.6), dbSNP rs148334096, ClinGen allele CA9358883.